The following is an entry in ClinVar:

ClinVar aggregate classification (germline): Pathogenic (1 of 4 stars; one submission).

Submission:

GeneDx
Classification: Pathogenic. Last evaluated: 2016-06-28. Review status: criteria provided, single submitter. Criteria: GeneDx Variant Classification (06012015). Collection method: clinical testing. Allele origin: germline. Affected: yes.
Comment: The c.538delT pathogenic variant in the PHEX gene has been reported previously in association with X-linked hypophasphatemic rickets (Gaucher et al., 2009). The deletion causes a frameshift starting with codon Tryptophan 180, changes this amino acid to a Glycine residue and creates a premature Stop codon at position 41 of the new reading frame, denoted p.Trp180GlyfsX41. This pathogenic variant is predicted to cause loss of normal protein function either through protein truncation or nonsense-mediated mRNA decay. The c.538delT variant was not observed in approximately 6,500 individuals of European and African American ancestry in the NHLBI Exome Sequencing Project, indicating it is not a common benign variant in these populations.

NM_000444.6(PHEX):c.538del (p.Trp180fs)

Gene: PHEX (phosphate regulating endopeptidase homolog X-linked; plus strand). Cytogenetic location: Xp22.11.
Variant type: Deletion.
Coding change: c.538del on transcript NM_000444.6 (MANE Select); coding-DNA position 538, one base deleted (T; older notation c.538delT).
Protein change: p.Trp180fs; shifts the reading frame from tryptophan 180.
Molecular consequence: frameshift variant.
Genome position (GRCh38, 1-based): chrX:22,077,577, T deleted; the last of 3 consecutive T bases (chrX:22,077,575-22,077,577); deleting any one gives the same sequence. VCF-style (leftmost placement, unchanged base first): chrX-22077574-GT-G. GRCh37 (hg19) VCF-style: chrX-22095692-GT-G.
Other names: c.538del, p.Trp180fs (NM_001282754.2); short protein forms W180fs.
Identifiers: ClinVar variation 265500 (VCV000265500.2), dbSNP rs886039581, ClinGen allele CA10588757.